The following is an entry in ClinVar:

ClinVar aggregate classification (germline): Uncertain significance (1 of 4 stars; one submission).

Conditions:
Bardet-Biedl syndrome (BBS). Identifiers: Orphanet 110, MedGen C0752166, MONDO:0015229.

Allele frequency attached by ClinVar (database versions not stated): ExAC 0.00001; gnomAD exomes 0.00001; ESP Exome Variant Server 0.00008.
gnomAD v4.1: 11 of 1,613,924 alleles (0.00068%); highest among the groups gnomAD compares: Non-Finnish European, 0.00093%; no homozygotes.

Submission:

Labcorp Genetics (formerly Invitae), Labcorp
Classification: Uncertain significance for Bardet-Biedl syndrome. Last evaluated: 2021-09-01. Review status: criteria provided, single submitter. Criteria: Invitae Variant Classification Sherloc (09022015). Collection method: clinical testing. Allele origin: germline.
Comment: This sequence change replaces glutamine with lysine at codon 155 of the BBS4 protein (p.Gln155Lys). The glutamine residue is weakly conserved and there is a small physicochemical difference between glutamine and lysine. This variant is present in population databases (rs147391634, ExAC 0.001%). This variant has not been reported in the literature in individuals affected with BBS4-related conditions. Algorithms developed to predict the effect of missense changes on protein structure and function output the following: SIFT: "Tolerated"; PolyPhen-2: "Benign"; Align-GVGD: "Class C0". The lysine amino acid residue is found in multiple mammalian species, which suggests that this missense change does not adversely affect protein function. In summary, the available evidence is currently insufficient to determine the role of this variant in disease. Therefore, it has been classified as a Variant of Uncertain Significance.

NM_033028.5(BBS4):c.463C>A (p.Gln155Lys)

Gene: BBS4 (Bardet-Biedl syndrome 4; plus strand). Cytogenetic location: 15q24.1.
Variant type: single nucleotide variant.
Coding change: c.463C>A on transcript NM_033028.5 (MANE Select); coding-DNA position 463, C replaced by A.
Protein change: p.Gln155Lys; replaces glutamine 155 with lysine.
Molecular consequence: missense variant. On other transcripts: 5 prime UTR variant (1), non-coding transcript variant (2).
Genome position (GRCh38, 1-based): chr15:72,724,531, C>A. VCF-style: chr15-72724531-C-A. GRCh37 (hg19) VCF-style: chr15-73016872-C-A.
Other names: c.-54C>A (NM_001252678.2); c.463C>A, p.Gln155Lys (NM_001320665.2); short protein forms Q155K.
Identifiers: ClinVar variation 834542 (VCV000834542.7), dbSNP rs147391634, ClinGen allele CA7646650.
Genomic context (GRCh38, chr15:72,724,531, plus strand): 5'-GGTATAGTTCGTTCAGTGGTAGTGATTTGGTTTTCTTTATTTTGTTAAACTTGTCAGGCA[C>A]AAGACCAGTTGCACAATGCCCTGAATCTTAATAGGCACGATCTGACTTATATAATGCTGG-3'
Protein context (NP_149017.2, residues 145-165): YIYLKQFNKA[Gln155Lys]DQLHNALNLN